The following is an entry in ClinVar:

NM_033109.5(PNPT1):c.1772A>C (p.Lys591Thr)

Gene: PNPT1 (polyribonucleotide nucleotidyltransferase 1; minus strand). Cytogenetic location: 2p16.1.
Variant type: single nucleotide variant.
Coding change: c.1772A>C on transcript NM_033109.5 (MANE Select); coding-DNA position 1772, A replaced by C.
Protein change: p.Lys591Thr; replaces lysine 591 with threonine.
Molecular consequence: missense variant.
Genome position (GRCh38, 1-based): chr2:55,645,399, T>G on the plus strand (A>C on the coding strand, the complement: PNPT1 is on the minus strand). VCF-style: chr2-55645399-T-G. GRCh37 (hg19) VCF-style: chr2-55872534-T-G.
Other names: short protein forms K591T.
Identifiers: ClinVar variation 1525706 (VCV001525706.6), dbSNP rs771374358, ClinGen allele CA1667944.
Genomic context (GRCh38, chr2:55,645,399, plus strand): 5'-AATGTATTACCTACAACAGGTCCATTTTCTTTTCTAGATGCTCGAGGTTTTGAAATAGTT[T>G]TGTTCATGATCTGTAATATCTCCTTTTTTGCCACTAGAAGAGAAAAACACAAAAATTATA-3'
Protein context (NP_149100.2, residues 581-601): AKKEILQIMN[Lys591Thr]TISKPRASRK

ClinVar aggregate classification (germline): Uncertain significance (1 of 4 stars; one submission).

Allele frequency attached by ClinVar (database versions not stated): gnomAD exomes below 0.00001; TOPMed below 0.00001; ExAC 0.00001; gnomAD 0.00001.
gnomAD v4.1: 2 of 1,612,330 alleles (0.00012%); highest among the groups gnomAD compares: Non-Finnish European, 0.000085%; no homozygotes.

Submission:

Labcorp Genetics (formerly Invitae), Labcorp
Classification: Uncertain significance. Last evaluated: 2021-10-15. Review status: criteria provided, single submitter. Criteria: Invitae Variant Classification Sherloc (09022015). Collection method: clinical testing. Allele origin: germline.
Comment: In summary, the available evidence is currently insufficient to determine the role of this variant in disease. Therefore, it has been classified as a Variant of Uncertain Significance. Advanced modeling of protein sequence and biophysical properties (such as structural, functional, and spatial information, amino acid conservation, physicochemical variation, residue mobility, and thermodynamic stability) performed at Invitae indicates that this missense variant is not expected to disrupt PNPT1 protein function. This variant has not been reported in the literature in individuals affected with PNPT1-related conditions. This variant is present in population databases (rs771374358, ExAC 0.002%). This sequence change replaces lysine with threonine at codon 591 of the PNPT1 protein (p.Lys591Thr). The lysine residue is moderately conserved and there is a moderate physicochemical difference between lysine and threonine.